The following is an entry in ClinVar:

ClinVar aggregate classification (germline): Uncertain significance. Review status: criteria provided, multiple submitters, no conflicts (2 of 4 stars). 4 submissions from 4 submitters: Uncertain significance (3). 1 of the submissions does not count toward it. Last evaluated 2025-10-13.

Conditions:
Hypoalphalipoproteinemia, primary, 2. Also called: HIGH DENSITY LIPOPROTEIN DEFICIENCY; HYPOALPHALIPOPROTEINEMIA, PRIMARY, 2, AUTOSOMAL RECESSIVE. Identifiers: MedGen C5551172, MONDO:0032766, OMIM 618463.
Hypoalphalipoproteinemia, primary, 2, intermediate. Also called: HYPOALPHALIPOPROTEINEMIA, PRIMARY, 2, AUTOSOMAL DOMINANT. Identifiers: MedGen C5677030, MONDO:0859238, OMIM 619836.
Familial amyloid polyneuropathy, Iowa type (AMYLD3). Also called: Familial amyloid polyneuropathy type III; AMYLOIDOSIS, HEREDITARY SYSTEMIC 3; AMYLOIDOSIS, IOWA TYPE; AMYLOIDOSIS, VAN ALLEN TYPE; AMYLOIDOSIS, TYPE III; AMYLOIDOSIS, TYPE IV. Identifiers: MedGen C4551500, MONDO:0971008, OMIM 620657.
Familial visceral amyloidosis, Ostertag type (AMYLD2). Also called: Ostertag type amyloidosis; Familial visceral amyloidosis; Amyloidosis, hepatic and systemic; AMYLOIDOSIS, HEREDITARY SYSTEMIC 2; Hereditary Renal Amyloidosis; AMYLOIDOSIS VIII. Identifiers: Orphanet 85450, MedGen C0268389, MONDO:0007099, OMIM 105200.
APOLIPOPROTEIN A-I (MUNSTER4).

Allele frequency attached by ClinVar (database versions not stated): ExAC 0.00001; TOPMed 0.00001.
gnomAD v4.1: 17 of 1,612,400 alleles (0.0011%); highest among the groups gnomAD compares: African/African-American, 0.0027%; no homozygotes.

Submissions (4):

Labcorp Genetics (formerly Invitae), Labcorp
Classification: Uncertain significance. Last evaluated: 2025-10-13. Review status: criteria provided, single submitter. Criteria: Invitae Variant Classification Sherloc (09022015). Collection method: clinical testing. Allele origin: germline.
Comment: This sequence change replaces glutamic acid, which is acidic and polar, with lysine, which is basic and polar, at codon 222 of the APOA1 protein (p.Glu222Lys). This variant is present in population databases (rs121912717, gnomAD 0.007%). This variant has not been reported in the literature in individuals affected with APOA1-related conditions. ClinVar contains an entry for this variant (Variation ID: 17912). Invitae Evidence Modeling of protein sequence and biophysical properties (such as structural, functional, and spatial information, amino acid conservation, physicochemical variation, residue mobility, and thermodynamic stability) has been performed for this missense variant. However, the output from this modeling did not meet the statistical confidence thresholds required to predict the impact of this variant on APOA1 protein function. In summary, the available evidence is currently insufficient to determine the role of this variant in disease. Therefore, it has been classified as a Variant of Uncertain Significance.

Fulgent Genetics
Classification: Uncertain significance for Hypoalphalipoproteinemia, primary, 2; Hypoalphalipoproteinemia, primary, 2, intermediate; Familial amyloid polyneuropathy, Iowa type. Last evaluated: 2024-05-08. Review status: criteria provided, single submitter. Criteria: ACMG Guidelines, 2015. Collection method: clinical testing. Allele origin: germline.

New York Genome Center
Classification: Uncertain significance for Hypoalphalipoproteinemia, primary, 2; Familial visceral amyloidosis, Ostertag type. Last evaluated: 2021-06-23. Review status: criteria provided, single submitter. Criteria: NYGC Assertion Criteria 2020. Collection method: clinical testing. Allele origin: germline. Observed: 1 heterozygote.

OMIM
Classification: Pathogenic for APOLIPOPROTEIN A-I (MUNSTER4). Last evaluated: 1988-08-01. Review status: no assertion criteria provided. Collection method: literature only. Allele origin: germline. Not counted in ClinVar's aggregate classification.

Literature cited by the submitters: PubMed 3141894 (cited by OMIM); Breslow, J. L., Karathanasis, S., Norum, R., Zannis, V. I. APO A-I deficiency and premature atherosclerosis associated with an insertion in the APO A-I gene. (Abstract) Pediat. Res. 17: 208A-only, 1983. (cited by OMIM).

NM_000039.3(APOA1):c.664G>A (p.Glu222Lys)

Gene: APOA1 (apolipoprotein A1; minus strand). Cytogenetic location: 11q23.3.
Variant type: single nucleotide variant.
Coding change: c.664G>A on transcript NM_000039.3 (MANE Select); coding-DNA position 664, G replaced by A.
Protein change: p.Glu222Lys; replaces glutamic acid 222 with lysine.
Molecular consequence: missense variant.
Genome position (GRCh38, 1-based): chr11:116,835,948, C>T on the plus strand (G>A on the coding strand, the complement: APOA1 is on the minus strand). VCF-style: chr11-116835948-C-T. GRCh37 (hg19) VCF-style: chr11-116706664-C-T.
Other names: E198K; c.664G>A, p.Glu222Lys (NM_001318017.2, NM_001318018.2); c.337G>A, p.Glu113Lys (NM_001318021.2); short protein forms E222K, E113K.
Identifiers: ClinVar variation 17912 (VCV000017912.12), dbSNP rs121912717, ClinGen allele CA127546.